The following is an entry in ClinVar:

NM_017890.5(VPS13B):c.4198G>A (p.Val1400Ile)

Gene: VPS13B (vacuolar protein sorting 13 homolog B; plus strand). Cytogenetic location: 8q22.2.
Variant type: single nucleotide variant.
Coding change: c.4198G>A on transcript NM_017890.5 (MANE Plus Clinical); coding-DNA position 4198, G replaced by A.
Protein change: p.Val1400Ile; replaces valine 1400 with isoleucine.
Molecular consequence: missense variant. On other transcripts: intron variant (1).
Genome position (GRCh38, 1-based): chr8:99,507,810, G>A. VCF-style: chr8-99507810-G-A. GRCh37 (hg19) VCF-style: chr8-100520038-G-A.
Other names: c.4198G>A (NM_017890.3); c.4224+607G>A (NM_152564.5); short protein forms V1400I.
Identifiers: ClinVar variation 1498184 (VCV001498184.6), dbSNP rs374008116, ClinGen allele CA4823470.

ClinVar aggregate classification (germline): Uncertain significance. Review status: criteria provided, multiple submitters, no conflicts (2 of 4 stars). 2 submissions from 2 submitters: Uncertain significance (2). Last evaluated 2025-08-22.

Conditions:
Inborn genetic diseases. Identifiers: MedGen C0950123, MeSH D030342.
Cohen syndrome (COH1). Also called: Cutis verticis gyrata, retinitis pigmentosa, and sensorineural deafness; PEPPER SYNDROME. Identifiers: Orphanet 193, MedGen C0265223, MONDO:0008999, OMIM 216550.

Allele frequency attached by ClinVar (database versions not stated): ExAC 0.00001; gnomAD exomes 0.00001; TOPMed 0.00001; gnomAD 0.00002; ESP Exome Variant Server 0.00008.
gnomAD v4.1: 16 of 1,613,910 alleles (0.00099%); highest among the groups gnomAD compares: Non-Finnish European, 0.0014%; no homozygotes.

Submissions (2):

Ambry Genetics
Classification: Uncertain significance for Inborn genetic diseases. Last evaluated: 2025-08-22. Review status: criteria provided, single submitter. Criteria: Ambry Variant Classification Scheme 2023. Collection method: clinical testing. Allele origin: germline.

Labcorp Genetics (formerly Invitae), Labcorp
Classification: Uncertain significance for Cohen syndrome. Last evaluated: 2022-06-22. Review status: criteria provided, single submitter. Criteria: Invitae Variant Classification Sherloc (09022015). Collection method: clinical testing. Allele origin: germline.
Comment: This sequence change replaces valine, which is neutral and non-polar, with isoleucine, which is neutral and non-polar, at codon 1400 of the VPS13B protein (p.Val1400Ile). This variant is present in population databases (rs374008116, gnomAD 0.003%). This variant has not been reported in the literature in individuals affected with VPS13B-related conditions. Algorithms developed to predict the effect of missense changes on protein structure and function are either unavailable or do not agree on the potential impact of this missense change (SIFT: "Not Available"; PolyPhen-2: "Benign"; Align-GVGD: "Not Available"). In summary, the available evidence is currently insufficient to determine the role of this variant in disease. Therefore, it has been classified as a Variant of Uncertain Significance.